The following is an entry in ClinVar:

NC_000006.11:g.(?_5216831)_(5216991_?)del

Gene: LYRM4 (LYR motif containing 4; minus strand). Cytogenetic location: 6p25.1.
Variant type: Deletion.
Identifiers: ClinVar variation 3246235 (VCV003246235.1).

ClinVar aggregate classification (germline): Uncertain significance (1 of 4 stars; one submission).

Submission:

Labcorp Genetics (formerly Invitae), Labcorp
Classification: Uncertain significance. Last evaluated: 2023-11-27. Review status: criteria provided, single submitter. Criteria: Invitae Variant Classification Sherloc (09022015). Collection method: clinical testing. Allele origin: unknown.
Comment: This variant is a gross deletion of the genomic region encompassing exon(s) 2 of the LYRM4 gene. While this deletion is not anticipated to lead to nonsense mediated decay, it is expected to disrupt the C-terminus of the protein. This variant has not been reported in the literature in individuals affected with LYRM4-related conditions. Experimental studies and prediction algorithms are not available or were not evaluated, and the functional significance of this variant is currently unknown. In summary, the available evidence is currently insufficient to determine the role of this variant in disease. Therefore, it has been classified as a Variant of Uncertain Significance.